The following is an entry in ClinVar:

ClinVar aggregate classification (germline): Likely benign. Review status: criteria provided, multiple submitters, no conflicts (2 of 4 stars). 3 submissions from 3 submitters: Likely benign (2). 1 of the submissions does not count toward it. Last evaluated 2024-08-08.

Conditions:
TMEM107-related disorder. Also called: TMEM107-related condition.

Allele frequency attached by ClinVar (database versions not stated): ExAC 0.00002; gnomAD 0.00002 and 0.00003; gnomAD exomes 0.00002 and 0.00003; TOPMed 0.00002; ESP Exome Variant Server 0.00008.

Submissions (3):

Blueprint Genetics
Classification: Likely benign. Last evaluated: 2024-08-08. Review status: criteria provided, single submitter. Criteria: ACMG Guidelines, 2015. Collection method: clinical testing. Allele origin: germline.

Labcorp Genetics (formerly Invitae), Labcorp
Classification: Likely benign. Last evaluated: 2023-09-21. Review status: criteria provided, single submitter. Criteria: Invitae Variant Classification Sherloc (09022015). Collection method: clinical testing. Allele origin: germline.

PreventionGenetics, part of Exact Sciences
Classification: Likely benign for TMEM107-related condition. Last evaluated: 2019-12-30. Review status: no assertion criteria provided. Collection method: clinical testing. Allele origin: germline. Not counted in ClinVar's aggregate classification.
Comment: This variant is classified as likely benign based on ACMG/AMP sequence variant interpretation guidelines (Richards et al. 2015 PMID: 25741868, with internal and published modifications).

NM_183065.4(TMEM107):c.186C>T (p.Gly62=)

Genes: TMEM107 (transmembrane protein 107; minus strand), LOC105371520 (uncharacterized LOC105371520; plus strand). Cytogenetic location: 17p13.1.
Variant type: single nucleotide variant.
Coding change: c.186C>T on transcript NM_183065.4 (MANE Select); coding-DNA position 186, C replaced by T.
Protein change: p.Gly62=; no amino-acid change (glycine 62 retained).
Molecular consequence: synonymous variant. On other transcripts: intron variant (1).
Genome position (GRCh38, 1-based): chr17:8,175,827, G>A on the plus strand (C>T on the coding strand, the complement: TMEM107 is on the minus strand). VCF-style: chr17-8175827-G-A. GRCh37 (hg19) VCF-style: chr17-8079145-G-A.
Other names: c.204C>T, p.Gly68= (NM_001351278.2, NM_032354.5); c.186C>T, p.Gly62= (NM_001351279.2); c.155+132C>T (NM_001351280.2); c.204C>T (NM_032354.3).
Identifiers: ClinVar variation 1620880 (VCV001620880.11), dbSNP rs369840510, ClinGen allele CA8371014.